The following is an entry in ClinVar:

NM_002292.4(LAMB2):c.4904_4905del (p.Thr1635fs)

Gene: LAMB2 (laminin subunit beta 2; minus strand). Cytogenetic location: 3p21.31.
Variant type: Microsatellite.
Coding change: c.4904_4905del on transcript NM_002292.4 (MANE Select); coding-DNA positions 4904 to 4905, 2 bases deleted (CA; older notation c.4904_4905delCA).
Protein change: p.Thr1635fs; shifts the reading frame from threonine 1635.
Molecular consequence: frameshift variant.
Genome position (GRCh38, 1-based): chr3:49,121,962-49,121,963, TG deleted on the plus strand (CA on the coding strand, the reverse complement: LAMB2 is on the minus strand); deleting any 2 consecutive bases within chr3:49,121,962-49,121,966 gives the same sequence; the c. name uses the placement nearest the transcript's 3' end. VCF-style (leftmost placement, unchanged base first): chr3-49121961-CTG-C. GRCh37 (hg19) VCF-style: chr3-49159394-CTG-C.
Other names: short protein forms T1635fs.
Identifiers: ClinVar variation 1333511 (VCV001333511.1), dbSNP rs2107628870, ClinGen allele CA2580616457.

ClinVar aggregate classification (germline): Pathogenic (1 of 4 stars; one submission).

Conditions:
LAMB2-related infantile-onset nephrotic syndrome. Also called: NEPHROTIC SYNDROME, TYPE 5, WITHOUT OCULAR ABNORMALITIES; NEPHROTIC SYNDROME, TYPE 5, WITH OCULAR ABNORMALITIES; Nephrotic Syndrome, type 5. Identifiers: Orphanet 306507, MedGen C3280113, MONDO:0013621, OMIM 614199.

Submission:

3billion
Classification: Pathogenic for LAMB2-related infantile-onset nephrotic syndrome. Last evaluated: 2022-01-03. Review status: criteria provided, single submitter. Criteria: ACMG Guidelines, 2015. Collection method: clinical testing. Allele origin: germline. Affected: yes. Observed: 1 heterozygote.
Comment: Frameshift: predicted to result in a loss or disruption of normal protein function through nonsense-mediated decay (NMD) or protein truncation. Multiple pathogenic variants are reported downstream of the variant (PVS1_VS). It is not observed in the gnomAD v2.1.1 dataset (PM2_M). The variant has been reported to be associated with LAMB2 related disorder (PMID:31937884).Therefore, this variant is classified as pathogenic according to the recommendation of ACMG/AMP guideline.

Literature cited by the submitters: PubMed 31937884.